The following is an entry in ClinVar:

NM_001401501.2(MUC16):c.7752C>T (p.Pro2584=)

Gene: MUC16 (mucin 16, cell surface associated; minus strand). Cytogenetic location: 19p13.2.
Variant type: single nucleotide variant.
Coding change: c.7752C>T on transcript NM_001401501.2 (MANE Select); coding-DNA position 7752, C replaced by T.
Protein change: p.Pro2584=; no amino-acid change (proline 2584 retained).
Molecular consequence: synonymous variant.
Genome position (GRCh38, 1-based): chr19:8,973,507, G>A on the plus strand (C>T on the coding strand, the complement: MUC16 is on the minus strand). VCF-style: chr19-8973507-G-A. GRCh37 (hg19) VCF-style: chr19-9084183-G-A.
Other names: c.8178C>T, p.Pro2726= (NM_001414686.1); c.7632C>T, p.Pro2544= (NM_001414687.1, NM_024690.2).
Identifiers: ClinVar variation 3060591 (VCV003060591.2), dbSNP rs1609460, ClinGen allele CA9172141.

ClinVar aggregate classification (germline): Benign (0 of 4 stars; one submission).

Conditions:
MUC16-related disorder. Also called: MUC16-related condition.

Allele frequency attached by ClinVar (database versions not stated): 1000 Genomes Project 0.41633; 1000 Genomes Project 30x 0.41864; ESP Exome Variant Server 0.44915; TOPMed 0.45469; gnomAD 0.45779; ExAC 0.48738; gnomAD exomes 0.49736.

Submission:

PreventionGenetics, part of Exact Sciences
Classification: Benign for MUC16-related condition. Last evaluated: 2019-10-17. Review status: no assertion criteria provided. Collection method: clinical testing. Allele origin: germline.
Comment: This variant is classified as benign based on ACMG/AMP sequence variant interpretation guidelines (Richards et al. 2015 PMID: 25741868, with internal and published modifications).